The following is an entry in ClinVar:

ClinVar aggregate classification (germline): Likely pathogenic. Review status: criteria provided, multiple submitters, no conflicts (2 of 4 stars). 2 submissions from 2 submitters: Likely pathogenic (2). Last evaluated 2026-01-06.

Conditions:
Niemann-Pick disease, type C1. Also called: NIEMANN-PICK DISEASE, VARIANT TYPE C1; NEUROVISCERAL STORAGE DISEASE WITH VERTICAL SUPRANUCLEAR OPHTHALMOPLEGIA; NIEMANN-PICK DISEASE WITH CHOLESTEROL ESTERIFICATION BLOCK; NIEMANN-PICK DISEASE WITHOUT SPHINGOMYELINASE DEFICIENCY; NIEMANN-PICK DISEASE, CHRONIC NEURONOPATHIC FORM. Identifiers: Orphanet 646, MedGen C3179455, MONDO:0009757, OMIM 257220.
Niemann-Pick disease, type C (NPC). Identifiers: Orphanet 646, MedGen C0220756, MONDO:0018982.

Submissions (2):

Women's Health and Genetics/Laboratory Corporation of America, LabCorp
Classification: Likely pathogenic for Niemann-Pick disease, type C. Last evaluated: 2026-01-06. Review status: criteria provided, single submitter. Criteria: LabCorp Variant Classification Summary - May 2015. Collection method: clinical testing. Allele origin: germline.
Comment: Variant summary: NPC1 c.3433T>C (p.Trp1145Arg) results in a non-conservative amino acid change in the encoded protein sequence. Algorithms developed to predict the effect of missense changes on protein structure and function all suggest that this variant is likely to be disruptive. The variant was absent in 250970 control chromosomes. c.3433T>C has been observed in individual(s) affected with Niemann-Pick Disease Type C (e.g. Zarowski_2010, Stampfer_2013, Bremova_2016). These data indicate that the variant is likely associated with disease. At least one publication reports experimental evidence evaluating an impact on protein function. The variant was found to have an intermediate trafficking efficiency from the ER of 20-50%, whereas the trafficking efficiency of the wild type protein was approximately 65% (e.g. Wang_2020). The following publications have been ascertained in the context of this evaluation (PMID: 27544496, 23433426, 31509197, 20207562). ClinVar contains an entry for this variant (Variation ID: 1494423). Based on the evidence outlined above, the variant was classified as likely pathogenic.

Labcorp Genetics (formerly Invitae), Labcorp
Classification: Likely pathogenic for Niemann-Pick disease, type C1. Last evaluated: 2021-03-30. Review status: criteria provided, single submitter. Criteria: Invitae Variant Classification Sherloc (09022015). Collection method: clinical testing. Allele origin: germline.
Comment: Advanced modeling of protein sequence and biophysical properties (such as structural, functional, and spatial information, amino acid conservation, physicochemical variation, residue mobility, and thermodynamic stability) performed at Invitae indicates that this missense variant is expected to disrupt NPC1 protein function. In summary, the currently available evidence indicates that the variant is pathogenic, but additional data are needed to prove that conclusively. Therefore, this variant has been classified as Likely Pathogenic. This variant has been observed in individual(s) with Niemann-Pick disease type C (PMID: 23433426). This variant is not present in population databases (ExAC no frequency). This sequence change replaces tryptophan with arginine at codon 1145 of the NPC1 protein (p.Trp1145Arg). The tryptophan residue is highly conserved and there is a moderate physicochemical difference between tryptophan and arginine.

Literature cited by the submitters: PubMed 23433426 (cited by Women's Health and Genetics/Laboratory Corporation of America, LabCorp and Labcorp Genetics (formerly Invitae), Labcorp); PubMed 31509197 (cited by Women's Health and Genetics/Laboratory Corporation of America, LabCorp); PubMed 27544496 (cited by Women's Health and Genetics/Laboratory Corporation of America, LabCorp); PubMed 20207562 (cited by Women's Health and Genetics/Laboratory Corporation of America, LabCorp).

NM_000271.5(NPC1):c.3433T>C (p.Trp1145Arg)

Gene: NPC1 (NPC intracellular cholesterol transporter 1; minus strand). Cytogenetic location: 18q11.2.
Variant type: single nucleotide variant.
Coding change: c.3433T>C on transcript NM_000271.5 (MANE Select); coding-DNA position 3433, T replaced by C.
Protein change: p.Trp1145Arg; replaces tryptophan 1145 with arginine.
Molecular consequence: missense variant.
Genome position (GRCh38, 1-based): chr18:23,535,513, A>G on the plus strand (T>C on the coding strand, the complement: NPC1 is on the minus strand). VCF-style: chr18-23535513-A-G. GRCh37 (hg19) VCF-style: chr18-21115477-A-G.
Other names: short protein forms W1145R.
Identifiers: ClinVar variation 1494423 (VCV001494423.9), dbSNP rs2145350224, ClinGen allele CA401791208.
Genomic context (GRCh38, chr18:23,535,513, plus strand): 5'-CTGTATGAGGACTCACCATCACCAGGTTGACCAAGGATACAGCGTTCAGACTGATGCCCC[A>G]GAGCCACATAACTCCAAACATGTTGACCAAGACCATGGCGATGGTGGCACACATGATGAC-3'
Protein context (NP_000262.2, residues 1135-1155): LVNMFGVMWL[Trp1145Arg]GISLNAVSLV